The following is an entry in ClinVar:

ClinVar aggregate classification (germline): Uncertain significance (1 of 4 stars; one submission).

Conditions:
Inborn genetic diseases. Identifiers: MedGen C0950123, MeSH D030342.

gnomAD v4.1: 1 of 1,608,306 alleles (0.000062%); highest among the groups gnomAD compares: Non-Finnish European, 0.000085%; no homozygotes.

Submission:

Ambry Genetics
Classification: Uncertain significance for Inborn genetic diseases. Last evaluated: 2025-09-28. Review status: criteria provided, single submitter. Criteria: Ambry Variant Classification Scheme 2023. Collection method: clinical testing. Allele origin: germline.
Comment: The p.K77N variant (also known as c.231G>C), located in coding exon 1 of the LTBP3 gene, results from a G to C substitution at nucleotide position 231. The lysine at codon 77 is replaced by asparagine, an amino acid with similar properties. This amino acid position is conserved. In addition, this alteration is predicted to be tolerated by in silico analysis. Based on the available evidence, the clinical significance of this variant remains unclear.

NM_001130144.3(LTBP3):c.231G>C (p.Lys77Asn)

Gene: LTBP3 (latent transforming growth factor beta binding protein 3; minus strand). Cytogenetic location: 11q13.1.
Variant type: single nucleotide variant.
Coding change: c.231G>C on transcript NM_001130144.3 (MANE Select); coding-DNA position 231, G replaced by C.
Protein change: p.Lys77Asn; replaces lysine 77 with asparagine.
Molecular consequence: missense variant. On other transcripts: 5 prime UTR variant (1).
Genome position (GRCh38, 1-based): chr11:65,557,729, C>G on the plus strand (G>C on the coding strand, the complement: LTBP3 is on the minus strand). VCF-style: chr11-65557729-C-G. GRCh37 (hg19) VCF-style: chr11-65325200-C-G.
Other names: c.-117G>C (NM_001164266.1); c.231G>C, p.Lys77Asn (NM_021070.4); short protein forms K77N.
Identifiers: ClinVar variation 4623992 (VCV004623992.1).
Genomic context (GRCh38, chr11:65,557,729, plus strand): 5'-GCCGTTCTCTCCGATGAGCGTCATGTTGGAGCCCTGCTGACAACTGTCCCGACACTGGCC[C>G]TTGAGACAGGTCCGCTTGCAGATCACCGGCGCAAAGACCACCTTGAAGCGCTCGCGGGCC-3'
Protein context (NP_001123616.1, residues 67-87): APVICKRTCL[Lys77Asn]GQCRDSCQQG